The following is an entry in ClinVar:

NM_001042702.5(PJVK):c.135G>C (p.Leu45=)

Gene: PJVK (pejvakin; plus strand). Cytogenetic location: 2q31.2.
Variant type: single nucleotide variant.
Coding change: c.135G>C on transcript NM_001042702.5 (MANE Select); coding-DNA position 135, G replaced by C.
Protein change: p.Leu45=; no amino-acid change (leucine 45 retained).
Molecular consequence: synonymous variant. On other transcripts: 5 prime UTR variant (1), intron variant (1).
Genome position (GRCh38, 1-based): chr2:178,453,544, G>C. VCF-style: chr2-178453544-G-C. GRCh37 (hg19) VCF-style: chr2-179318271-G-C.
Other names: c.135G>C (NM_001042702.3); c.144G>C, p.Leu48= (NM_001353775.2); c.240G>C, p.Leu80= (NM_001353776.2); c.-343G>C (NM_001353778.2); c.135G>C, p.Leu45= (NM_001369912.1); c.-334-9G>C (NM_001353777.1).
Identifiers: ClinVar variation 3017258 (VCV003017258.4), dbSNP rs375687411, ClinGen allele CA1984129.

ClinVar aggregate classification (germline): Conflicting classifications of pathogenicity. Review status: criteria provided, conflicting classifications (1 of 4 stars). 2 submissions from 2 submitters: Uncertain significance (1); Likely benign (1). Last evaluated 2025-10-22.

Conditions:
PJVK-related disorder. Also called: PJVK-related condition.

Allele frequency attached by ClinVar (database versions not stated): ExAC 0.00003; ESP Exome Variant Server 0.00008; TOPMed 0.00009; gnomAD 0.00010.
gnomAD v4.1: 24 of 1,613,966 alleles (0.0015%); highest among the groups gnomAD compares: African/African-American, 0.031%; no homozygotes.

Submissions (2):

PreventionGenetics, part of Exact Sciences
Classification: Uncertain significance for PJVK-related condition. Last evaluated: 2025-10-22. Review status: criteria provided, single submitter. Criteria: ACMG Guidelines, 2015. Collection method: clinical testing. Allele origin: germline.
Comment: The PJVK c.135G>C variant is not predicted to result in an amino acid change (p.=). This variant is predicted to alter splicing based on available splicing prediction software (SpliceAI, Jaganathan et al. 2019. PubMed ID: 30661751). However, the use of computer prediction software is not equivalent to functional evidence. To our knowledge, this variant has not been reported in the literature. This variant is reported in 0.029% of alleles in individuals of African descent in gnomAD. At this time, the clinical significance of this variant is uncertain due to the absence of conclusive functional and genetic evidence.

Labcorp Genetics (formerly Invitae), Labcorp
Classification: Likely benign. Last evaluated: 2023-11-15. Review status: criteria provided, single submitter. Criteria: Invitae Variant Classification Sherloc (09022015). Collection method: clinical testing. Allele origin: germline.